The following is an entry in ClinVar:

ClinVar aggregate classification (germline): Pathogenic/Likely pathogenic. Review status: criteria provided, multiple submitters, no conflicts (2 of 4 stars). 74 submissions from 69 submitters: Pathogenic (52); Likely pathogenic (2). 20 of the submissions do not count toward it. Last evaluated 2026-10-01.

Conditions:
Dysembryoplastic neuroepithelial tumor. Identifiers: Orphanet 251946, MedGen C1266177, MONDO:0005505, HP:0033703.
Inherited polyposis and early onset colorectal cancer - germline testing.
Classic or attenuated familial adenomatous polyposis. Identifiers: MedGen CN372698, MONDO:0021057.
MUTYH-related disorder. Also called: MUTYH-related disorders; MUTYH-related condition.
Familial adenomatous polyposis 2. Also called: ADENOMAS, MULTIPLE COLORECTAL, AUTOSOMAL RECESSIVE; MUTYH Polyposis; Adenomas, multiple colorectal; FAP type 2; MYH-associated polyposis; MUTYH-related attenuated familial adenomatous polyposis. Identifiers: Orphanet 220460, Orphanet 247798, MedGen C3272841, MONDO:0012041, OMIM 608456.
Gastric cancer. Also called: Malignant tumor of stomach; Stomach cancer. Identifiers: MedGen C0024623, MeSH D013274, MONDO:0001056, OMIM 613659, HP:0012126.
Colorectal cancer. Also called: Colorectal cancer, somatic; Malignant Colorectal Neoplasm. Identifiers: MedGen C0346629, MONDO:0005575, OMIM 114500.
Hereditary cancer-predisposing syndrome. Also called: Neoplastic Syndromes, Hereditary; Tumor predisposition; Hereditary Cancer Syndrome; Hereditary neoplastic syndrome. Identifiers: Orphanet 140162, MedGen C0027672, MeSH D009386, MONDO:0015356.
Pilocytic astrocytoma. Also called: Pilocytic astrocytoma, somatic. Identifiers: Orphanet 251612, MedGen C0334583, MONDO:0016691, HP:0033680.
Medulloblastoma (MDB). Also called: MEDULLOBLASTOMA PREDISPOSITION SYNDROME; Medulloblastoma, somatic. Identifiers: Orphanet 616, MedGen C0025149, MeSH D008527, MONDO:0007959, OMIM 155255, HP:0002885.
Carcinoma of colon (CRC). Also called: Colon carcinoma; Colonic carcinoma. Identifiers: MedGen C0699790, MONDO:0002032.
Endometrial carcinoma. Also called: Endometrial carcinoma, somatic. Identifiers: MedGen C0476089, MONDO:0002447, OMIM 608089, HP:0012114.

Allele frequency attached by ClinVar (database versions not stated): TOPMed 0.00135; gnomAD exomes 0.00154 and 0.00196; gnomAD 0.00155 and 0.00168; 1000 Genomes Project 30x 0.00016; 1000 Genomes Project 0.00020; ExAC 0.00162.
gnomAD v4.1: 3,102 of 1,614,184 alleles (0.19%); highest among the groups gnomAD compares: Non-Finnish European, 0.23%; 5 homozygotes.

Submissions 1 to 9 of 74:

St. Jude Molecular Pathology, St. Jude Children's Research Hospital
Classification: Pathogenic for Familial adenomatous polyposis 2. Last evaluated: 2026-10-01. Review status: criteria provided, single submitter. Criteria: St. Jude Assertion Criteria 2020. Collection method: clinical testing. Allele origin: germline.
Comment: The MUTYH c.536A>G p.(Tyr179Cys) variant is a well-established pathogenic founder mutation for MUTYH-associated polyposis in the European population (PMID: 23035301, 23361220). This variant has been reported to co-segregate with disease in individuals a ffected with colorectal cancer and polyposis (with polyp numbers ranging from 10 to >100) (PMID: 11818965, 12606733, 16557584, 19032956, 19732775, 27829682). This variant has a maximum subpopulation frequency of 0.25% in gnomAD v2.1.1. The in silico tool REVEL predicts a deleterious effect on protein function, and functional studies have shown that this missense change disrupts MUTYH protein function (PMID: 18534194, 19836313, 19953527, 20418187, 20848659, 22926731, 23108399, 24569162, 25820570). This variant is also known as p.Tyr165Cys in the literature. In summary, this variant meets criteria to be classified as pathogenic.

CeGaT Center for Human Genetics Tuebingen
Classification: Pathogenic. Last evaluated: 2026-09-01. Review status: criteria provided, single submitter. Criteria: CeGaT Center For Human Genetics Tuebingen Variant Classification Criteria Version 2. Collection method: clinical testing. Allele origin: germline. Affected: yes. Observed: 38 variant alleles.
Comment: MUTYH: PS3, PS4, PM3, PP1:Moderate, PM2:Supporting, PP3

PreventionGenetics, part of Exact Sciences
Classification: Pathogenic for MUTYH-related condition. Last evaluated: 2026-07-21. Review status: criteria provided, single submitter. Criteria: ACMG Guidelines, 2015. Collection method: clinical testing. Allele origin: germline.
Comment: The MUTYH c.536A>G variant is predicted to result in the amino acid substitution p.Tyr179Cys. This variant, also described as p.Tyr165Cys in the literature (Poulsen and Bisgaard. 2008. PubMed ID: 19506731), is among the most common contributors to autosomal recessive MUTYH-associated polyposis and has been shown to co-segregate with disease in multiple patients with colorectal cancer, familial adenomatous polyposis (FAP), and attenuated FAP (Sieber et al. 2003. PubMed ID: 12606733; Aretz et al. 2006. PubMed ID: 16557584; Theodoratou et al. 2010. PubMed ID: 21063410). This variant has also been observed in individuals with breast cancers with and without a family history of cancers (Wasielewski et al. 2010. PubMed ID: 20191381; Rennert et al. 2012. PubMed ID: 21952991). Several studies have shown that the p.Tyr179Cys variant disrupts MUTYH protein function (Ali et al. 2008. PubMed ID: 18534194; Molatore et al. 2010. PubMed ID: 19953527). In ClinVar, it is documented as a likely pathogenic/pathogenic variant (Variation ID: 5293). Based on these data, we interpret this variant as pathogenic.

Dasa
Classification: Pathogenic. Last evaluated: 2026-04-05. Review status: criteria provided, single submitter. Criteria: DASA Assertion Criteria. Collection method: clinical testing. Allele origin: germline.
Comment: NM_001048174.2(MUTYH):c.452A>G (p.Tyr151Cys) is a missense variant that results in the substitution of tyrosine with cysteine. Functional evidence supports a deleterious effect on the gene or gene product (PMID: 11818965; PMID: 18534194; PMID: 19953527; PMID: 20848659; PMID: 16492921). This variant has been recurrently observed in individuals with related phenotype (PMID: 11818965; PMID: 18534194; PMID: 19953527; PMID: 20848659; PMID: 16492921). Multiple computational predictions support a deleterious effect on the gene or gene product. The variant is present at low frequency in population datasets. Based on the available data, this variant is classified as pathogenic.

Catlab - Consorci Sanitari de Terrassa
Classification: Pathogenic for Hereditary cancer-predisposing syndrome. Last evaluated: 2026-02-10. Review status: criteria provided, single submitter. Criteria: ACMG Guidelines, 2015. Collection method: clinical testing. Allele origin: germline.
Comment: Based on the currently available information, this variant is classified as Pathogenic according to Richards 2015 guidelines. ACMG criteria: PP1_very strong, PM3_very strong, PP3_strong, PM1, PS3_supp.

Labcorp Genetics (formerly Invitae), Labcorp
Classification: Pathogenic for Familial adenomatous polyposis 2. Last evaluated: 2026-02-03. Review status: criteria provided, single submitter. Criteria: Invitae Variant Classification Sherloc (09022015). Collection method: clinical testing. Allele origin: germline.
Comment: This sequence change replaces tyrosine, which is neutral and polar, with cysteine, which is neutral and slightly polar, at codon 179 of the MUTYH protein (p.Tyr179Cys). This variant is present in population databases (rs34612342, gnomAD 0.2%), and has an allele count higher than expected for a pathogenic variant. This variant is a known common cause of MUTYH-associated polyposis (PMID: 23035301). It has been reported to co-segregate in an autosomal recessive manner with disease in individuals affected with colorectal cancer and polyposis (with polyp numbers ranging from 10 to >100) (PMID: 12606733, 16557584, 17489848, 19793053, 21063410, 24444654). This variant is also known as c.494A>G (p.Tyr165Cys). ClinVar contains an entry for this variant (Variation ID: 5293). An algorithm developed to predict the effect of missense changes on protein structure and function (PolyPhen-2) suggests that this variant is likely to be disruptive. Experimental studies have shown that this missense change affects MUTYH function (PMID: 11818965, 18534194, 19953527, 20848659). For these reasons, this variant has been classified as Pathogenic.

Center for Genomic Medicine, Rigshospitalet, Copenhagen University Hospital
Classification: Pathogenic. Last evaluated: 2025-12-29. Review status: criteria provided, single submitter. Criteria: ACMG Guidelines, 2015. Collection method: clinical testing. Allele origin: germline.

Institute of Human Genetics, University of Leipzig Medical Center
Classification: Pathogenic for Familial adenomatous polyposis 2. Last evaluated: 2025-11-03. Review status: criteria provided, single submitter. Criteria: ACMG Guidelines, 2015. Collection method: clinical testing. Allele origin: maternal. Inheritance: Autosomal recessive inheritance. Affected: yes.
Comment: Criteria applied: PM3_VSTR,PS3,PP1,PP3

Genomic Medicine Center of Excellence, King Faisal Specialist Hospital and Research Centre
Classification: Pathogenic for Familial adenomatous polyposis 2. Last evaluated: 2025-09-10. Review status: criteria provided, single submitter. Criteria: ACMG Guidelines, 2015. Collection method: clinical testing. Allele origin: germline.

NM_001048174.2(MUTYH):c.452A>G (p.Tyr151Cys)

Gene: MUTYH (mutY DNA glycosylase; minus strand). Cytogenetic location: 1p34.1.
Variant type: single nucleotide variant.
Coding change: c.452A>G on transcript NM_001048174.2 (MANE Select); coding-DNA position 452, A replaced by G.
Protein change: p.Tyr151Cys; replaces tyrosine 151 with cysteine.
Molecular consequence: missense variant. On other transcripts: non-coding transcript variant (2).
Genome position (GRCh38, 1-based): chr1:45,332,803, T>C on the plus strand (A>G on the coding strand, the complement: MUTYH is on the minus strand). VCF-style: chr1-45332803-T-C. GRCh37 (hg19) VCF-style: chr1-45798475-T-C.
Other names: p.Y165C:TAC>TGC; c.452A>G (NM_001048174.1); c.452A>G, p.Tyr151Cys (NM_001048171.2, NM_001048173.2, NM_001293195.2); c.455A>G, p.Tyr152Cys (NM_001048172.2); c.536A>G, p.Tyr179Cys (NM_001128425.2); c.497A>G, p.Tyr166Cys (NM_001293190.2); c.485A>G, p.Tyr162Cys (NM_001293191.2); c.176A>G, p.Tyr59Cys (NM_001293192.2, NM_001293196.2); and 2 more; short protein forms Y165C, Y179C, Y59C, Y176C, Y151C, Y162C, Y36C, Y152C.
Identifiers: ClinVar variation 5293 (VCV000005293.158), dbSNP rs34612342, ClinGen allele CA011761.
Genomic context (GRCh38, chr1:45,332,803, plus strand): 5'-CCCTCCTGCCATCCCCTTACCTTCCGAGCTCCCTCCTGCAGCCGCCGGCCACGAGAATAG[T>C]AGCCCAGGCCAGCCCAGAGTTGATTCACCTCCTGTGGGTAGGATCAGAGGTCAAAGAGAT-3'
Protein context (NP_001041639.1, residues 141-161): EVNQLWAGLG[Tyr151Cys]YSRGRRLQEG